The following is an entry in ClinVar:

NM_015331.3(NCSTN):c.1772A>G (p.Lys591Arg)

Gene: NCSTN (nicastrin; plus strand). Cytogenetic location: 1q23.2.
Variant type: single nucleotide variant.
Coding change: c.1772A>G on transcript NM_015331.3 (MANE Select); coding-DNA position 1772, A replaced by G.
Protein change: p.Lys591Arg; replaces lysine 591 with arginine.
Molecular consequence: missense variant.
Genome position (GRCh38, 1-based): chr1:160,356,732, A>G. VCF-style: chr1-160356732-A-G. GRCh37 (hg19) VCF-style: chr1-160326522-A-G.
Other names: c.1712A>G, p.Lys571Arg (NM_001290184.2); c.1358A>G, p.Lys453Arg (NM_001290186.2); c.1772A>G, p.Lys591Arg (NM_001349729.2); short protein forms K453R, K591R, K571R.
Identifiers: ClinVar variation 3689716 (VCV003689716.2).

ClinVar aggregate classification (germline): Uncertain significance (1 of 4 stars; one submission).

gnomAD v4.1: 3 of 1,614,244 alleles (0.00019%); highest among the groups gnomAD compares: Non-Finnish European, 0.00017%; no homozygotes.

Submission:

Labcorp Genetics (formerly Invitae), Labcorp
Classification: Uncertain significance. Last evaluated: 2024-10-03. Review status: criteria provided, single submitter. Criteria: Invitae Variant Classification Sherloc (09022015). Collection method: clinical testing. Allele origin: germline.
Comment: This sequence change replaces lysine, which is basic and polar, with arginine, which is basic and polar, at codon 591 of the NCSTN protein (p.Lys591Arg). This variant is not present in population databases (gnomAD no frequency). This variant has not been reported in the literature in individuals affected with NCSTN-related conditions. An algorithm developed to predict the effect of missense changes on protein structure and function (PolyPhen-2) suggests that this variant is likely to be tolerated. In summary, the available evidence is currently insufficient to determine the role of this variant in disease. Therefore, it has been classified as a Variant of Uncertain Significance.